The following is an entry in ClinVar:

NM_201384.3(PLEC):c.4783T>C (p.Ser1595Pro)

Gene: PLEC (plectin; minus strand). Cytogenetic location: 8q24.3.
Variant type: single nucleotide variant.
Coding change: c.4783T>C on transcript NM_201384.3 (MANE Select); coding-DNA position 4783, T replaced by C.
Protein change: p.Ser1595Pro; replaces serine 1595 with proline.
Molecular consequence: missense variant. On other transcripts: intron variant (1).
Genome position (GRCh38, 1-based): chr8:143,925,146, A>G on the plus strand (T>C on the coding strand, the complement: PLEC is on the minus strand). VCF-style: chr8-143925146-A-G. GRCh37 (hg19) VCF-style: chr8-144999314-A-G.
Other names: c.4864T>C, p.Ser1622Pro (NM_000445.5); c.4741T>C, p.Ser1581Pro (NM_201378.4); c.4717T>C, p.Ser1573Pro (NM_201379.3); c.5194T>C, p.Ser1732Pro (NM_201380.4); c.4687T>C, p.Ser1563Pro (NM_201381.3); c.4783T>C, p.Ser1595Pro (NM_201382.4); c.4795T>C, p.Ser1599Pro (NM_201383.3); c.4125+1638T>C (NM_001410941.1); short protein forms S1573P, S1595P, S1563P, S1581P, S1599P, S1622P, S1732P.
Identifiers: ClinVar variation 5001848 (VCV005001848.1).

ClinVar aggregate classification (germline): Uncertain significance (1 of 4 stars; one submission).

Conditions:
PLEC-related disorder. Also called: PLEC-related disorders; PLEC-related condition.

gnomAD v4.1: 12 of 1,557,200 alleles (0.00077%); highest among the groups gnomAD compares: Non-Finnish European, 0.001%; no homozygotes.

Submission:

PreventionGenetics, part of Exact Sciences
Classification: Uncertain significance for PLEC-related condition. Last evaluated: 2026-04-08. Review status: criteria provided, single submitter. Criteria: ACMG Guidelines, 2015. Collection method: clinical testing. Allele origin: germline.
Comment: The PLEC c.4864T>C variant is predicted to result in the amino acid substitution p.Ser1622Pro. To our knowledge, this variant has not been reported in the literature or in a large population database (gnomAD), indicating this variant is rare. At this time, the clinical significance of this variant is uncertain due to the absence of conclusive functional and genetic evidence.